The following is an entry in ClinVar:

ClinVar aggregate classification (germline): Uncertain significance (1 of 4 stars; one submission).

Submission:

GeneDx
Classification: Uncertain significance. Last evaluated: 2017-08-24. Review status: criteria provided, single submitter. Criteria: GeneDx Variant Classification (06012015). Collection method: clinical testing. Allele origin: germline. Affected: yes.
Comment: The M200T variant in the TPM2 gene has not been reported previously as a pathogenic variant, nor as a benign variant, to our knowledge. The M200T variant is not observed in large population cohorts (Lek et al., 2016; 1000 Genomes Consortium et al., 2015; Exome Variant Server). The M200T variant is a non-conservative amino acid substitution, which is likely to impact secondary protein structure as these residues differ in polarity, charge, size and/or other properties. This substitution occurs at a position that is conserved in mammals. In silico analysis is inconsistent in its predictions as to whether or not the variant is damaging to the protein structure/function. We interpret M200T as a variant of uncertain significance.

NM_003289.4(TPM2):c.563+165T>C

Gene: TPM2 (tropomyosin 2; minus strand). Cytogenetic location: 9p13.3.
Variant type: single nucleotide variant.
Coding change: c.563+165T>C on transcript NM_003289.4 (MANE Select); 165 bases into the intron after coding-DNA position 563, T replaced by C.
Molecular consequence: intron variant. On other transcripts: missense variant (2).
Genome position (GRCh38, 1-based): chr9:35,685,104, A>G on the plus strand (T>C on the coding strand, the complement: TPM2 is on the minus strand). VCF-style: chr9-35685104-A-G. GRCh37 (hg19) VCF-style: chr9-35685101-A-G.
Other names: c.599T>C, p.Met200Thr (NM_001301227.2, NM_213674.1); c.563+165T>C (NM_001301226.2); short protein forms M200T.
Identifiers: ClinVar variation 451466 (VCV000451466.2), dbSNP rs1554658865, ClinGen allele CA373366387.